The following is an entry in ClinVar:

NM_015100.4(POGZ):c.2789C>T (p.Pro930Leu)

Gene: POGZ (pogo transposable element derived with ZNF domain; minus strand). Cytogenetic location: 1q21.3.
Variant type: single nucleotide variant.
Coding change: c.2789C>T on transcript NM_015100.4 (MANE Select); coding-DNA position 2789, C replaced by T.
Protein change: p.Pro930Leu; replaces proline 930 with leucine.
Molecular consequence: missense variant.
Genome position (GRCh38, 1-based): chr1:151,406,246, G>A on the plus strand (C>T on the coding strand, the complement: POGZ is on the minus strand). VCF-style: chr1-151406246-G-A. GRCh37 (hg19) VCF-style: chr1-151378722-G-A.
Other names: c.2762C>T, p.Pro921Leu (NM_001194937.2); c.2603C>T, p.Pro868Leu (NM_001194938.2); c.2504C>T, p.Pro835Leu (NM_145796.4); c.2630C>T, p.Pro877Leu (NM_207171.2); short protein forms P835L, P921L, P868L, P877L, P930L.
Identifiers: ClinVar variation 730852 (VCV000730852.10), dbSNP rs145570114, ClinGen allele CA1091062.

ClinVar aggregate classification (germline): Benign/Likely benign. Review status: criteria provided, multiple submitters, no conflicts (2 of 4 stars). 6 submissions from 6 submitters: Benign (1); Likely benign (4). 1 of the submissions does not count toward it. Last evaluated 2026-03-10.

Conditions:
POGZ-related disorder. Also called: POGZ-related condition.
Intellectual disability-microcephaly-strabismus-behavioral abnormalities syndrome. Also called: White-Sutton Syndrome. Identifiers: Orphanet 468678, MedGen C4225351, MONDO:0014606, OMIM 616364.
Inborn genetic diseases. Identifiers: MedGen C0950123, MeSH D030342.

Allele frequency attached by ClinVar (database versions not stated): 1000 Genomes Project 30x 0.00016; TOPMed 0.00065.

Submissions (6):

Women's Health and Genetics/Laboratory Corporation of America, LabCorp
Classification: Likely benign. Last evaluated: 2026-03-10. Review status: criteria provided, single submitter. Criteria: LabCorp Variant Classification Summary - May 2015. Collection method: clinical testing. Allele origin: germline.
Comment: Variant summary: POGZ c.2789C>T (p.Pro930Leu) results in a non-conservative amino acid change in the encoded protein sequence. Algorithms developed to predict the effect of missense changes on protein structure and function are either unavailable or do not agree on the potential impact of this missense change. The variant allele was found at a frequency of 0.0001 in 1614078 control chromosomes, predominantly at a frequency of 0.0019 within the African or African-American subpopulation in the gnomAD database. The observed variant frequency within African or African-American control individuals in the gnomAD database exceeds the estimated maximal expected allele frequency for disease-causing variants in POGZ. To our knowledge, no occurrence of c.2789C>T in individuals affected with POGZ-related conditions and no experimental evidence demonstrating its impact on protein function have been reported. ClinVar contains an entry for this variant (Variation ID: 730852). Based on the evidence outlined above, the variant was classified as likely benign.

Genome-Nilou Lab
Classification: Likely benign for Intellectual disability-microcephaly-strabismus-behavioral abnormalities syndrome. Last evaluated: 2023-04-11. Review status: criteria provided, single submitter. Criteria: ACMG Guidelines, 2015. Collection method: clinical testing. Allele origin: germline. Affected: no.

GeneDx
Classification: Benign. Last evaluated: 2020-02-06. Review status: criteria provided, single submitter. Criteria: GeneDx Variant Classification Process June 2021. Collection method: clinical testing. Allele origin: germline. Affected: yes.

Ambry Genetics
Classification: Likely benign for Inborn genetic diseases. Last evaluated: 2018-07-13. Review status: criteria provided, single submitter. Criteria: Ambry Variant Classification Scheme 2023. Collection method: clinical testing. Allele origin: germline.

Labcorp Genetics (formerly Invitae), Labcorp
Classification: Likely benign. Last evaluated: 2018-03-01. Review status: criteria provided, single submitter. Criteria: Invitae Variant Classification Sherloc (09022015). Collection method: clinical testing. Allele origin: germline.

PreventionGenetics, part of Exact Sciences
Classification: Likely benign for POGZ-related condition. Last evaluated: 2023-09-29. Review status: no assertion criteria provided. Collection method: clinical testing. Allele origin: germline. Not counted in ClinVar's aggregate classification.
Comment: This variant is classified as likely benign based on ACMG/AMP sequence variant interpretation guidelines (Richards et al. 2015 PMID: 25741868, with internal and published modifications).